The following is an entry in ClinVar:

NC_000009.11:g.(?_214864)_(452118_463516)dup

Genes: DOCK8 (dedicator of cytokinesis 8; plus strand), DOCK8-AS1 (DOCK8 antisense RNA 1; minus strand). Cytogenetic location: 9p24.3.
Variant type: Duplication.
Identifiers: ClinVar variation 4536655 (VCV004536655.1).

ClinVar aggregate classification (germline): Uncertain significance (1 of 4 stars; one submission).

Submission:

Women's Health and Genetics/Laboratory Corporation of America, LabCorp
Classification: Uncertain significance. Last evaluated: 2025-11-17. Review status: criteria provided, single submitter. Criteria: LabCorp Variant Classification Summary - May 2015. Collection method: clinical testing. Allele origin: germline.
Comment: Variant summary: The variant involves the duplication of exons 1-46 in the DOCK8 gene. A presumed nomenclature of c.(?_-113)_(6068+1_6069-1)dup has been designated for the purposes of this classification. The exact breakpoint at the 5' end of this variant is unknown, therefore this duplication may extend upstream of the annotated region of this gene. It is predicted to duplicate a segment including the initiation codon, therefore its impact on the encoded protein is unknown. The variant was absent in 21692 control chromosomes. The available data on variant occurrences in the general population are insufficient to allow any conclusion about variant significance. To our knowledge, no occurrence of similar copy number variant duplications in individuals affected with DOCK8-related conditions and no experimental evidence demonstrating its impact on protein function have been reported. ClinVar contains an entry for a similar copy number variant (Variation ID: 664460). Based on the evidence outlined above, the variant was classified as uncertain significance.